The following is an entry in ClinVar:

NM_003664.5(AP3B1):c.2769A>C (p.Lys923Asn)

Gene: AP3B1 (adaptor related protein complex 3 subunit beta 1; minus strand). Cytogenetic location: 5q14.1.
Variant type: single nucleotide variant.
Coding change: c.2769A>C on transcript NM_003664.5 (MANE Select); coding-DNA position 2769, A replaced by C.
Protein change: p.Lys923Asn; replaces lysine 923 with asparagine.
Molecular consequence: missense variant.
Genome position (GRCh38, 1-based): chr5:78,039,083, T>G on the plus strand (A>C on the coding strand, the complement: AP3B1 is on the minus strand). VCF-style: chr5-78039083-T-G. GRCh37 (hg19) VCF-style: chr5-77334907-T-G.
Other names: p.Lys923Asn; c.2769A>C (NM_003664.3); c.2622A>C, p.Lys874Asn (NM_001271769.2); short protein forms K923N, K874N.
Identifiers: ClinVar variation 354225 (VCV000354225.34), dbSNP rs201179527, ClinGen allele CA3316687.

ClinVar aggregate classification (germline): Conflicting classifications of pathogenicity. Review status: criteria provided, conflicting classifications (1 of 4 stars). 10 submissions from 10 submitters: Uncertain significance (1); Benign (3); Likely benign (5). 1 of the submissions does not count toward it. Last evaluated 2026-01-25.

Conditions:
Combined immunodeficiency. Also called: Congenital combined immunodeficiency; Combined T and B cell immunodeficiency. Identifiers: Orphanet 101972, MedGen C2711630, MONDO:0015131, HP:0005387.
AP3B1-related disorder. Also called: AP3B1-related condition.
Inborn genetic diseases. Identifiers: MedGen C0950123, MeSH D030342.
Hermansky-Pudlak syndrome 2 (HPS2). Also called: Platelet defects and oculocutaneous albinism. Identifiers: Orphanet 183678, Orphanet 79430, MedGen C1842362, MONDO:0011997, OMIM 608233.

Allele frequency attached by ClinVar (database versions not stated): TOPMed 0.00002; 1000 Genomes Project 0.00140; 1000 Genomes Project 30x 0.00141.
gnomAD v4.1: 606 of 1,608,530 alleles (0.038%); highest among the groups gnomAD compares: South Asian, 0.64%; 7 homozygotes.

Submissions (10):

Labcorp Genetics (formerly Invitae), Labcorp
Classification: Benign for Hermansky-Pudlak syndrome 2. Last evaluated: 2026-01-25. Review status: criteria provided, single submitter. Criteria: Invitae Variant Classification Sherloc (09022015). Collection method: clinical testing. Allele origin: germline.

CeGaT Center for Human Genetics Tuebingen
Classification: Likely benign. Last evaluated: 2025-07-01. Review status: criteria provided, single submitter. Criteria: CeGaT Center For Human Genetics Tuebingen Variant Classification Criteria Version 2. Collection method: clinical testing. Allele origin: germline. Affected: yes. Observed: 1 variant allele.
Comment: AP3B1: BP4

Women's Health and Genetics/Laboratory Corporation of America, LabCorp
Classification: Likely benign. Last evaluated: 2025-01-28. Review status: criteria provided, single submitter. Criteria: LabCorp Variant Classification Summary - May 2015. Collection method: clinical testing. Allele origin: germline.
Comment: Variant summary: AP3B1 c.2769A>C (p.Lys923Asn) results in a non-conservative amino acid change located in the Clathrin-adaptor complex-3 beta-1 subunit C-terminal domain (IPR029390) of the encoded protein sequence. Four of five in-silico tools predict a benign effect of the variant on protein function. The variant allele was found at a frequency of 0.00076 in 248936 control chromosomes in the gnomAD database, including 1 homozygotes. The observed variant frequency is approximately 2-fold of the estimated maximal expected allele frequency for a pathogenic variant in AP3B1 causing Hermansky-Pudlak Syndrome phenotype (0.0005). To our knowledge, no occurrence of c.2769A>C in individuals affected with Hermansky-Pudlak Syndrome and no experimental evidence demonstrating its impact on protein function have been reported. ClinVar contains an entry for this variant (Variation ID: 354225). Based on the evidence outlined above, the variant was classified as likely benign.

Ambry Genetics
Classification: Likely benign for Inborn genetic diseases. Last evaluated: 2023-12-28. Review status: criteria provided, single submitter. Criteria: Ambry Variant Classification Scheme 2023. Collection method: clinical testing. Allele origin: germline.

Center for Genomics, Ann and Robert H. Lurie Children's Hospital of Chicago
Classification: Uncertain significance for Hermansky-Pudlak syndrome 2. Last evaluated: 2021-07-26. Review status: criteria provided, single submitter. Criteria: ACMG Guidelines, 2015. Collection method: clinical testing. Allele origin: germline.
Comment: AP3B1 NM_003664.4 exon 23 p.Lys923Asn (c.2769A>C): This variant has not been reported in the literature but is present in 0.7% (34/4824) of South Asian alleles including 1 homozygote in the Genome Aggregation Database. This variant is present in ClinVar (Variation ID:354225). Evolutionary conservation suggests that this variant may impact the protein; computational predictive tools suggest that this variant may not impact the protein. In summary, data on this variant is insufficient for disease classification. Therefore, the clinical significance of this variant is uncertain.

Cambridge Genomics Laboratory, East Genomic Laboratory Hub, NHS Genomic Medicine Service
Classification: Benign for Combined immunodeficiency. Last evaluated: 2020-07-27. Review status: criteria provided, single submitter. Criteria: ACGS Best Practice Guidelines for Variant Classification in Rare Disease 2020. Collection method: clinical testing. Allele origin: germline. Affected: yes. Observed: 1 variant allele.

Mayo Clinic Laboratories, Mayo Clinic
Classification: Benign. Last evaluated: 2019-12-06. Review status: criteria provided, single submitter. Criteria: ACMG Guidelines, 2015. Collection method: clinical testing. Allele origin: germline. Observed: 3 variant alleles.

Genetic Services Laboratory, University of Chicago
Classification: Likely benign. Last evaluated: 2018-06-05. Review status: criteria provided, single submitter. Criteria: ACMG Guidelines, 2015. Collection method: clinical testing. Allele origin: germline. Affected: no.

Illumina Laboratory Services, Illumina
Classification: Likely benign for Hermansky-Pudlak syndrome 2. Last evaluated: 2018-01-13. Review status: criteria provided, single submitter. Criteria: ICSL Variant Classification Criteria 13 December 2019. Collection method: clinical testing. Allele origin: germline.
Comment: This variant was observed in the ICSL laboratory as part of a predisposition screen in an ostensibly healthy population. It had not been previously curated by ICSL or reported in the Human Gene Mutation Database (HGMD: prior to June 1st, 2018), and was therefore a candidate for classification through an automated scoring system. Utilizing variant allele frequency, disease prevalence and penetrance estimates, and inheritance mode, an automated score was calculated to assess if this variant is too frequent to cause the disease. Based on the score and internal cut-off values, a variant classified as likely benign is not then subjected to further curation. The score for this variant resulted in a classification of likely benign for this disease.

PreventionGenetics, part of Exact Sciences
Classification: Likely benign for AP3B1-related condition. Last evaluated: 2019-05-20. Review status: no assertion criteria provided. Collection method: clinical testing. Allele origin: germline. Not counted in ClinVar's aggregate classification.
Comment: This variant is classified as likely benign based on ACMG/AMP sequence variant interpretation guidelines (Richards et al. 2015 PMID: 25741868, with internal and published modifications).